The following is an entry in ClinVar:

NM_001375405.1(CEP120):c.325C>T (p.Pro109Ser)

Gene: CEP120 (centrosomal protein 120; minus strand). Cytogenetic location: 5q23.2.
Variant type: single nucleotide variant.
Coding change: c.325C>T on transcript NM_001375405.1 (MANE Select); coding-DNA position 325, C replaced by T.
Protein change: p.Pro109Ser; replaces proline 109 with serine.
Molecular consequence: missense variant. On other transcripts: 5 prime UTR variant (2), non-coding transcript variant (1).
Genome position (GRCh38, 1-based): chr5:123,412,537, G>A on the plus strand (C>T on the coding strand, the complement: CEP120 is on the minus strand). VCF-style: chr5-123412537-G-A. GRCh37 (hg19) VCF-style: chr5-122748231-G-A.
Other names: c.325C>T (NM_153223.3); c.247C>T, p.Pro83Ser (NM_001166226.2); c.325C>T, p.Pro109Ser (NM_001375406.1, NM_001375407.1, NM_153223.4); c.-424C>T (NM_001375408.1); c.-366C>T (NM_001375409.1); short protein forms P109S, P83S.
Identifiers: ClinVar variation 2138055 (VCV002138055.5), dbSNP rs773832163, ClinGen allele CA3387263.
Genomic context (GRCh38, chr5:123,412,537, plus strand): 5'-TTATCTGTATCTCAGACTTGAATTTGGTGTATTTATTACTCAGCAACTGGTACCATTTTG[G>A]TGCCTAGAGAATAATAAAATAACAAAACACCTAATAGTTAATAAGGGAAAAAACATATTG-3'
Protein context (NP_001362334.1, residues 99-119): LRTAQETKQA[Pro109Ser]KWYQLLSNKY

ClinVar aggregate classification (germline): Uncertain significance. Review status: criteria provided, multiple submitters, no conflicts (2 of 4 stars). 3 submissions from 3 submitters: Uncertain significance (3). Last evaluated 2025-02-06.

Conditions:
Inborn genetic diseases. Identifiers: MedGen C0950123, MeSH D030342.
Short-rib thoracic dysplasia 13 with or without polydactyly (SRTD13). Identifiers: Orphanet 474, MedGen C4225378, MONDO:0014577, OMIM 616300.

gnomAD v4.1: 35 of 1,591,564 alleles (0.0022%); highest among the groups gnomAD compares: Non-Finnish European, 0.0027%; no homozygotes.

Submissions (3):

GeneDx
Classification: Uncertain significance. Last evaluated: 2025-02-06. Review status: criteria provided, single submitter. Criteria: GeneDx Variant Classification Process June 2021. Collection method: clinical testing. Allele origin: germline. Affected: yes.
Comment: Not observed at significant frequency in large population cohorts (gnomAD); In silico analysis supports that this missense variant has a deleterious effect on protein structure/function; Has not been previously published as pathogenic or benign to our knowledge

Ambry Genetics
Classification: Uncertain significance for Inborn genetic diseases. Last evaluated: 2024-06-30. Review status: criteria provided, single submitter. Criteria: Ambry Variant Classification Scheme 2023. Collection method: clinical testing. Allele origin: germline.

Labcorp Genetics (formerly Invitae), Labcorp
Classification: Uncertain significance for Short-rib thoracic dysplasia 13 with or without polydactyly. Last evaluated: 2022-08-09. Review status: criteria provided, single submitter. Criteria: Invitae Variant Classification Sherloc (09022015). Collection method: clinical testing. Allele origin: germline.
Comment: This variant has not been reported in the literature in individuals affected with CEP120-related conditions. The frequency data for this variant in the population databases is considered unreliable, as metrics indicate poor data quality at this position in the gnomAD database. This sequence change replaces proline, which is neutral and non-polar, with serine, which is neutral and polar, at codon 109 of the CEP120 protein (p.Pro109Ser). Algorithms developed to predict the effect of missense changes on protein structure and function are either unavailable or do not agree on the potential impact of this missense change (SIFT: "Deleterious"; PolyPhen-2: "Possibly Damaging"; Align-GVGD: "Class C0"). In summary, the available evidence is currently insufficient to determine the role of this variant in disease. Therefore, it has been classified as a Variant of Uncertain Significance.